The following is an entry in ClinVar:

NM_000726.5(CACNB4):c.621G>A (p.Thr207=)

Gene: CACNB4 (calcium voltage-gated channel auxiliary subunit beta 4; minus strand). Cytogenetic location: 2q23.3.
Variant type: single nucleotide variant.
Coding change: c.621G>A on transcript NM_000726.5 (MANE Select); coding-DNA position 621, G replaced by A.
Protein change: p.Thr207=; no amino-acid change (threonine 207 retained).
Molecular consequence: synonymous variant. On other transcripts: missense variant (3), 5 prime UTR variant (1).
Genome position (GRCh38, 1-based): chr2:151,870,609, C>T on the plus strand (G>A on the coding strand, the complement: CACNB4 is on the minus strand). VCF-style: chr2-151870609-C-T. GRCh37 (hg19) VCF-style: chr2-152727123-C-T.
Other names: c.567G>A, p.Thr189= (NM_001005746.4); c.519G>A, p.Thr173= (NM_001005747.4); c.621G>A, p.Thr207= (NM_001145798.3); c.480G>A, p.Thr160= (NM_001320722.3, NM_001330118.2); c.547G>A, p.Gly183Arg (NM_001330113.2); c.-34G>A (NM_001330114.2); c.499G>A, p.Gly167Arg (NM_001330115.2); c.460G>A, p.Gly154Arg (NM_001330116.2); and 1 more; short protein forms G154R, G167R, G183R.
Identifiers: ClinVar variation 1060787 (VCV001060787.6), dbSNP rs778919621, ClinGen allele CA1912557.

ClinVar aggregate classification (germline): Uncertain significance (1 of 4 stars; one submission).

Conditions:
Idiopathic generalized epilepsy. Also called: EIG; Generalised epilepsy. Identifiers: MedGen C0270850, MONDO:0005579, OMIM 600669.

Allele frequency attached by ClinVar (database versions not stated): gnomAD 0.00001; gnomAD exomes 0.00001 and 0.00006; TOPMed 0.00003; ExAC 0.00005.
gnomAD v4.1: 21 of 1,612,868 alleles (0.0013%); highest among the groups gnomAD compares: East Asian, 0.0067%; no homozygotes.

Submission:

Labcorp Genetics (formerly Invitae), Labcorp
Classification: Uncertain significance for Idiopathic generalized epilepsy. Last evaluated: 2021-08-28. Review status: criteria provided, single submitter. Criteria: Invitae Variant Classification Sherloc (09022015). Collection method: clinical testing. Allele origin: germline.
Comment: This sequence change affects codon 207 of the CACNB4 mRNA. It is a 'silent' change, meaning that it does not change the encoded amino acid sequence of the CACNB4 protein. This variant is present in population databases (rs778919621, ExAC 0.04%). This variant has not been reported in the literature in individuals affected with CACNB4-related conditions. Algorithms developed to predict the effect of sequence changes on RNA splicing suggest that this variant may create or strengthen a splice site. In summary, the available evidence is currently insufficient to determine the role of this variant in disease. Therefore, it has been classified as a Variant of Uncertain Significance.